The following is an entry in ClinVar:

NM_001904.4(CTNNB1):c.82_99del (p.Gln28_Ser33del)

Genes: CTNNB1 (catenin beta 1; plus strand), LOC126806658 (BRD4-independent group 4 enhancer GRCh37_chr3:41265899-41267098; plus strand). Cytogenetic location: 3p22.1.
Variant type: Deletion.
Coding change: c.82_99del on transcript NM_001904.4 (MANE Select); coding-DNA positions 82 to 99, 18 bases deleted (CAGTCTTACCTGGACTCT).
Protein change: p.Gln28_Ser33del.
Genome position (GRCh38, 1-based): chr3:41,224,594-41,224,611, CAGTCTTACCTGGACTCT deleted. VCF-style (leftmost placement, unchanged base first): chr3-41224593-ACAGTCTTACCTGGACTCT-A. GRCh37 (hg19) VCF-style: chr3-41266084-ACAGTCTTACCTGGACTCT-A.
Other names: c.82_99del, p.Gln28_Ser33del (NM_001098209.2, NM_001098210.2, NM_001438871.1 and 4 more transcripts); c.61_78del, p.Gln21_Ser26del (NM_001330729.2).
Identifiers: ClinVar variation 4530142 (VCV004530142.1).
Genomic context (GRCh38, chr3:41,224,593, plus strand): 5'-GATGGAGTTGGACATGGCCATGGAACCAGACAGAAAAGCGGCTGTTAGTCACTGGCAGCA[ACAGTCTTACCTGGACTCT>A]GGAATCCATTCTGGTGCCACTACCACAGCTCCTTCTCTGAGTGGTAAAGGCAATCCTGAG-3'

ClinVar aggregate classification (somatic clinical impact): Tier I - Strong (1 of 4 stars; one submission).

Conditions:
Adamantinous craniopharyngioma. Identifiers: MedGen C0431129, MONDO:0002787.

Submission:

Institute for Genomic Medicine (IGM) Clinical Laboratory, Nationwide Children's Hospital
Classification: Tier I - Strong for Adamantinous craniopharyngioma. Assertion type: diagnostic. Clinical significance: supports diagnosis. Last evaluated: 2024-10-07. Review status: criteria provided, single submitter. Criteria: AMP/ASCO/CAP Guidelines, 2017. Collection method: clinical testing. Allele origin: somatic. Affected: yes.
Comment: Variant has Tier I (strong) clinical significance as a diagnostic inclusion criterion in adamantinous craniopharyngioma, based on the following evidence: 1) Documented in one or more cancer databases (e.g., St. Jude Pecan, COSMIC, CIViC, OncoKB). 2) Appears in one or more well-established professional guidelines (e.g., World Health Organization [WHO]; National Comprehensive Cancer Network [NCCN]) as providing diagnostic, prognostic, or therapeutic information. 3) Diagnostic for a specific tumor type/classification according to professional guidelines (Evidence Level A; PMIDs: 12466115, 24413733, 28069929).

Literature cited by the submitters: PubMed 12466115; PubMed 24413733; PubMed 28069929.